The following is an entry in ClinVar:

NM_000159.4(GCDH):c.311G>C (p.Gly104Ala)

Gene: GCDH (glutaryl-CoA dehydrogenase; plus strand). Cytogenetic location: 19p13.13.
Variant type: single nucleotide variant.
Coding change: c.311G>C on transcript NM_000159.4 (MANE Select); coding-DNA position 311, G replaced by C.
Protein change: p.Gly104Ala; replaces glycine 104 with alanine.
Molecular consequence: missense variant. On other transcripts: non-coding transcript variant (1).
Genome position (GRCh38, 1-based): chr19:12,892,155, G>C. VCF-style: chr19-12892155-G-C. GRCh37 (hg19) VCF-style: chr19-13002969-G-C.
Other names: c.311G>C, p.Gly104Ala (NM_013976.5); short protein forms G104A.
Identifiers: ClinVar variation 2109450 (VCV002109450.4), dbSNP rs2512565700, ClinGen allele CA404316031.

ClinVar aggregate classification (germline): Uncertain significance (1 of 4 stars; one submission).

Conditions:
Glutaric aciduria, type 1. Also called: Glutaryl-CoA dehydrogenase deficiency; Glutaric Acidemia Type 1; GA I; Glutaric acidemia type I; Glutaricaciduria, type I; Glutaricacidemia Type 1. Identifiers: Orphanet 25, MedGen C0268595, MONDO:0009281, OMIM 231670.

Submission:

Labcorp Genetics (formerly Invitae), Labcorp
Classification: Uncertain significance for Glutaric aciduria, type 1. Last evaluated: 2022-03-11. Review status: criteria provided, single submitter. Criteria: Invitae Variant Classification Sherloc (09022015). Collection method: clinical testing. Allele origin: germline.
Comment: This sequence change replaces glycine, which is neutral and non-polar, with alanine, which is neutral and non-polar, at codon 104 of the GCDH protein (p.Gly104Ala). This variant is not present in population databases (gnomAD no frequency). This variant has not been reported in the literature in individuals affected with GCDH-related conditions. Advanced modeling of protein sequence and biophysical properties (such as structural, functional, and spatial information, amino acid conservation, physicochemical variation, residue mobility, and thermodynamic stability) performed at Invitae indicates that this missense variant is expected to disrupt GCDH protein function. In summary, the available evidence is currently insufficient to determine the role of this variant in disease. Therefore, it has been classified as a Variant of Uncertain Significance.